The following is an entry in ClinVar:

ClinVar aggregate classification (germline): Pathogenic (0 of 4 stars; one submission).

Conditions:
Angelman syndrome (AS). Also called: HAPPY PUPPET SYNDROME. Identifiers: Orphanet 72, MedGen C0162635, MONDO:0007113, OMIM 105830. Disease mechanism: loss of function. Inheritance: AS is caused by disruption of maternally imprinted UBE3A located within the 15q11.2-q13 Angelman syndrome/Prader-Willi syndrome (AS/PWS) region., imprinting disorder.

Submission:

Baylor Genetics
Classification: Pathogenic for Angelman Syndrome. Last evaluated: 2014-02-14. Review status: no assertion criteria provided. Collection method: clinical testing. Allele origin: germline. Affected: yes. Observed: 1 variant allele. Study: UBE3A Mutation Study.
Comment: Data collected from clinical UBE3A sequence analysis results

Literature cited by the submitters: PubMed 25212744.

NM_130839.5(UBE3A):c.1415dup (p.Ser473fs)

Genes: SNHG14 (small nucleolar RNA host gene 14; plus strand), UBE3A (ubiquitin protein ligase E3A; minus strand). Cytogenetic location: 15q11.2.
Variant type: Duplication.
Coding change: c.1415dup on transcript NM_130839.5 (MANE Select); coding-DNA position 1415, one base duplicated (T; older notation c.1415dupT).
Protein change: p.Ser473fs; shifts the reading frame from serine 473.
Molecular consequence: frameshift variant. On other transcripts: non-coding transcript variant (1), intron variant (2).
Genome position (GRCh38, 1-based): chr15:25,370,759, A duplicated on the plus strand (T on the coding strand, the reverse complement: UBE3A is on the minus strand); the first of 2 consecutive A bases (chr15:25,370,759-25,370,760); duplicating either gives the same sequence. VCF-style (leftmost placement, unchanged base first): chr15-25370758-G-GA. GRCh37 (hg19) VCF-style: chr15-25615905-G-GA.
Other names: c.1424dup, p.Ser476fs (NM_000462.5); c.1415dup, p.Ser473fs (NM_001354505.1, NM_001354538.2, NM_001354545.2); c.1355dup, p.Ser453fs (NM_001354506.2, NM_001354507.2, NM_001354508.2 and 17 more transcripts); c.1238dup, p.Ser414fs (NM_001354546.2); c.301+4705dup (NM_001354551.2); c.361+4705dup (NM_001354550.2); short protein forms S414fs, S473fs, S476fs, S453fs.
Identifiers: ClinVar variation 155950 (VCV000155950.1), dbSNP rs587781199, ClinGen allele CA333315.